The following is an entry in ClinVar:

NM_004380.3(CREBBP):c.5301A>G (p.Ser1767=)

Gene: CREBBP (CREB binding lysine acetyltransferase; minus strand). Cytogenetic location: 16p13.3.
Variant type: single nucleotide variant.
Coding change: c.5301A>G on transcript NM_004380.3 (MANE Select); coding-DNA position 5301, A replaced by G.
Protein change: p.Ser1767=; no amino-acid change (serine 1767 retained).
Molecular consequence: synonymous variant.
Genome position (GRCh38, 1-based): chr16:3,729,746, T>C on the plus strand (A>G on the coding strand, the complement: CREBBP is on the minus strand). VCF-style: chr16-3729746-T-C. GRCh37 (hg19) VCF-style: chr16-3779747-T-C.
Other names: c.5187A>G, p.Ser1729= (NM_001079846.1).
Identifiers: ClinVar variation 3354782 (VCV003354782.3).

ClinVar aggregate classification (germline): Likely benign. Review status: criteria provided, single submitter (1 of 4 stars). 2 submissions from 2 submitters: Likely benign (1). 1 of the submissions does not count toward it. Last evaluated 2024-12-17.

Conditions:
Rubinstein-Taybi syndrome (RSTS). Identifiers: Orphanet 783, MedGen C0035934, MONDO:0019188.
CREBBP-related disorder. Also called: CREBBP-related condition; CREBBP-related disorders.

Submissions (2):

Labcorp Genetics (formerly Invitae), Labcorp
Classification: Likely benign for Rubinstein-Taybi syndrome. Last evaluated: 2024-12-17. Review status: criteria provided, single submitter. Criteria: Invitae Variant Classification Sherloc (09022015). Collection method: clinical testing. Allele origin: germline.

PreventionGenetics, part of Exact Sciences
Classification: Likely benign for CREBBP-related condition. Last evaluated: 2024-05-16. Review status: no assertion criteria provided. Collection method: clinical testing. Allele origin: germline. Not counted in ClinVar's aggregate classification.
Comment: This variant is classified as likely benign based on ACMG/AMP sequence variant interpretation guidelines (Richards et al. 2015 PMID: 25741868, with internal and published modifications).